The following is an entry in ClinVar:

ClinVar aggregate classification (germline): Uncertain significance (1 of 4 stars; one submission).

gnomAD v4.1: 4 of 1,550,974 alleles (0.00026%); highest among the groups gnomAD compares: African/African-American, 0.0055%; no homozygotes.

Submission:

Labcorp Genetics (formerly Invitae), Labcorp
Classification: Uncertain significance. Last evaluated: 2024-12-31. Review status: criteria provided, single submitter. Criteria: Invitae Variant Classification Sherloc (09022015). Collection method: clinical testing. Allele origin: germline.
Comment: This sequence change replaces cysteine, which is neutral and slightly polar, with phenylalanine, which is neutral and non-polar, at codon 696 of the EYS protein (p.Cys696Phe). This variant is present in population databases (no rsID available, gnomAD 0.01%). This missense change has been observed in individual(s) with retinitis pigmentosa (internal data). Invitae Evidence Modeling of protein sequence and biophysical properties (such as structural, functional, and spatial information, amino acid conservation, physicochemical variation, residue mobility, and thermodynamic stability) indicates that this missense variant is not expected to disrupt EYS protein function with a negative predictive value of 80%. In summary, the available evidence is currently insufficient to determine the role of this variant in disease. Therefore, it has been classified as a Variant of Uncertain Significance.

NM_001142800.2(EYS):c.2087G>T (p.Cys696Phe)

Gene: EYS (EGF-like photoreceptor maintenance factor; minus strand). Cytogenetic location: 6q12.
Variant type: single nucleotide variant.
Coding change: c.2087G>T on transcript NM_001142800.2 (MANE Select); coding-DNA position 2087, G replaced by T.
Protein change: p.Cys696Phe; replaces cysteine 696 with phenylalanine.
Molecular consequence: missense variant.
Genome position (GRCh38, 1-based): chr6:65,057,664, C>A on the plus strand (G>T on the coding strand, the complement: EYS is on the minus strand). VCF-style: chr6-65057664-C-A. GRCh37 (hg19) VCF-style: chr6-65767557-C-A.
Other names: c.2087G>T, p.Cys696Phe (NM_001292009.2); short protein forms C696F.
Identifiers: ClinVar variation 3607541 (VCV003607541.2).